The following is an entry in ClinVar:

ClinVar aggregate classification (germline): Uncertain significance (1 of 4 stars; one submission).

Conditions:
Hereditary sensory and autonomic neuropathy with spastic paraplegia (HSNSP). Identifiers: Orphanet 139578, MedGen C1850395, MONDO:0009748, OMIM 256840.

Allele frequency attached by ClinVar (database versions not stated): gnomAD exomes below 0.00001; ExAC 0.00001.
gnomAD v4.1: 5 of 1,614,126 alleles (0.00031%); highest among the groups gnomAD compares: East Asian, 0.0022%; no homozygotes.

Submission:

Labcorp Genetics (formerly Invitae), Labcorp
Classification: Uncertain significance for Hereditary sensory and autonomic neuropathy with spastic paraplegia. Last evaluated: 2022-05-16. Review status: criteria provided, single submitter. Criteria: Invitae Variant Classification Sherloc (09022015). Collection method: clinical testing. Allele origin: germline.
Comment: In summary, the available evidence is currently insufficient to determine the role of this variant in disease. Therefore, it has been classified as a Variant of Uncertain Significance. Algorithms developed to predict the effect of missense changes on protein structure and function (SIFT, PolyPhen-2, Align-GVGD) all suggest that this variant is likely to be tolerated. This variant has not been reported in the literature in individuals affected with CCT5-related conditions. This variant is not present in population databases (gnomAD no frequency). This sequence change replaces proline, which is neutral and non-polar, with histidine, which is basic and polar, at codon 441 of the CCT5 protein (p.Pro441His).

NM_012073.5(CCT5):c.1322C>A (p.Pro441His)

Gene: CCT5 (chaperonin containing TCP1 subunit 5; plus strand). Cytogenetic location: 5p15.2.
Variant type: single nucleotide variant.
Coding change: c.1322C>A on transcript NM_012073.5 (MANE Select); coding-DNA position 1322, C replaced by A.
Protein change: p.Pro441His; replaces proline 441 with histidine.
Molecular consequence: missense variant.
Genome position (GRCh38, 1-based): chr5:10,263,138, C>A. VCF-style: chr5-10263138-C-A. GRCh37 (hg19) VCF-style: chr5-10263250-C-A.
Other names: c.1259C>A, p.Pro420His (NM_001306153.1); c.1157C>A, p.Pro386His (NM_001306154.2); c.1043C>A, p.Pro348His (NM_001306155.2); c.1208C>A, p.Pro403His (NM_001306156.2); short protein forms P420H, P441H, P403H, P386H, P348H.
Identifiers: ClinVar variation 1989857 (VCV001989857.4), dbSNP rs773923668, ClinGen allele CA3198345.